The following is an entry in ClinVar:

NM_006231.4(POLE):c.3121C>T (p.Arg1041Trp)

Gene: POLE (DNA polymerase epsilon, catalytic subunit; minus strand). Cytogenetic location: 12q24.33.
Variant type: single nucleotide variant.
Coding change: c.3121C>T on transcript NM_006231.4 (MANE Select); coding-DNA position 3121, C replaced by T.
Protein change: p.Arg1041Trp; replaces arginine 1041 with tryptophan.
Molecular consequence: missense variant.
Genome position (GRCh38, 1-based): chr12:132,659,449, G>A on the plus strand (C>T on the coding strand, the complement: POLE is on the minus strand). VCF-style: chr12-132659449-G-A. GRCh37 (hg19) VCF-style: chr12-133236035-G-A.
Other names: c.3121C>T (NM_006231.2); short protein forms R1041W.
Identifiers: ClinVar variation 473574 (VCV000473574.20), dbSNP rs762140272, ClinGen allele CA6893353.

ClinVar aggregate classification (germline): Uncertain significance. Review status: criteria provided, multiple submitters, no conflicts (2 of 4 stars). 2 submissions from 2 submitters: Uncertain significance (2). Last evaluated 2026-06-03.

Conditions:
Hereditary cancer-predisposing syndrome. Also called: Tumor predisposition; Hereditary neoplastic syndrome; Neoplastic Syndromes, Hereditary; Hereditary Cancer Syndrome. Identifiers: Orphanet 140162, MedGen C0027672, MeSH D009386, MONDO:0015356.

Allele frequency attached by ClinVar (database versions not stated): gnomAD exomes 0.00001 and below 0.00001; ExAC 0.00001; gnomAD 0.00001.
gnomAD v4.1: 6 of 1,614,086 alleles (0.00037%); highest among the groups gnomAD compares: East Asian, 0.0022%; no homozygotes.

Submissions (2):

Ambry Genetics
Classification: Uncertain significance for Hereditary cancer-predisposing syndrome. Last evaluated: 2026-06-03. Review status: criteria provided, single submitter. Criteria: Ambry Variant Classification Scheme 2023. Collection method: clinical testing. Allele origin: germline.
Comment: The c.3121C>T (p.R1041W) alteration is located in exon 26 (coding exon 26) of the POLE gene. This alteration results from a C to T substitution at nucleotide position 3121, causing the arginine (R) at amino acid position 1041 to be replaced by a tryptophan (W). Based on data from gnomAD, the T allele has an overall frequency of <0.001% (1/251452) total alleles studied. The highest observed frequency was 0.001% (1/113734) of European (non-Finnish) alleles. Based on insufficient or conflicting evidence, the clinical significance of this alteration remains unclear.

Labcorp Genetics (formerly Invitae), Labcorp
Classification: Uncertain significance. Last evaluated: 2026-01-16. Review status: criteria provided, single submitter. Criteria: Invitae Variant Classification Sherloc (09022015). Collection method: clinical testing. Allele origin: germline.
Comment: This sequence change replaces arginine, which is basic and polar, with tryptophan, which is neutral and slightly polar, at codon 1041 of the POLE protein (p.Arg1041Trp). This variant is present in population databases (rs762140272, gnomAD 0.0009%). This variant has not been reported in the literature in individuals affected with POLE-related conditions. ClinVar contains an entry for this variant (Variation ID: 473574). Invitae Evidence Modeling of protein sequence and biophysical properties (such as structural, functional, and spatial information, amino acid conservation, physicochemical variation, residue mobility, and thermodynamic stability) indicates that this missense variant is expected to disrupt POLE protein function with a positive predictive value of 80%. In summary, the available evidence is currently insufficient to determine the role of this variant in disease. Therefore, it has been classified as a Variant of Uncertain Significance.